The following is an entry in ClinVar:

ClinVar aggregate classification (germline): Uncertain significance (1 of 4 stars; one submission).

Conditions:
FG syndrome (FGS). Identifiers: MedGen C0220769, MONDO:0002010.

Allele frequency attached by ClinVar (database versions not stated): gnomAD exomes below 0.00001.

Submission:

Labcorp Genetics (formerly Invitae), Labcorp
Classification: Uncertain significance for FG syndrome. Last evaluated: 2023-10-11. Review status: criteria provided, single submitter. Criteria: Invitae Variant Classification Sherloc (09022015). Collection method: clinical testing. Allele origin: germline.
Comment: This sequence change replaces serine, which is neutral and polar, with proline, which is neutral and non-polar, at codon 998 of the MED12 protein (p.Ser998Pro). This variant is not present in population databases (gnomAD no frequency). This variant has not been reported in the literature in individuals affected with MED12-related conditions. Advanced modeling of protein sequence and biophysical properties (such as structural, functional, and spatial information, amino acid conservation, physicochemical variation, residue mobility, and thermodynamic stability) performed at Invitae indicates that this missense variant is not expected to disrupt MED12 protein function. In summary, the available evidence is currently insufficient to determine the role of this variant in disease. Therefore, it has been classified as a Variant of Uncertain Significance.

NM_005120.3(MED12):c.2992T>C (p.Ser998Pro)

Gene: MED12 (mediator complex subunit 12; plus strand). Cytogenetic location: Xq13.1.
Variant type: single nucleotide variant.
Coding change: c.2992T>C on transcript NM_005120.3 (MANE Select); coding-DNA position 2992, T replaced by C.
Protein change: p.Ser998Pro; replaces serine 998 with proline.
Molecular consequence: missense variant.
Genome position (GRCh38, 1-based): chrX:71,127,903, T>C. VCF-style: chrX-71127903-T-C. GRCh37 (hg19) VCF-style: chrX-70347753-T-C.
Other names: short protein forms S998P.
Identifiers: ClinVar variation 2761409 (VCV002761409.3), dbSNP rs2147800674, ClinGen allele CA413516899.